The following is an entry in ClinVar:

ClinVar aggregate classification (germline): Benign/Likely benign. Review status: criteria provided, multiple submitters, no conflicts (2 of 4 stars). 2 submissions from 2 submitters: Benign (1); Likely benign (1). Last evaluated 2026-09-22.

Conditions:
Colorectal cancer, hereditary nonpolyposis, type 7. Identifiers: Orphanet 144, MedGen C1858380, MONDO:0013725, OMIM 614385.

Submissions (2):

Myriad Genetics, Inc.
Classification: Benign for Colorectal cancer, hereditary nonpolyposis, type 7. Last evaluated: 2026-09-22. Review status: criteria provided, single submitter. Criteria: Myriad Autosomal Dominant, Autosomal Recessive and X-Linked Classification Criteria (2023). Collection method: clinical testing. Allele origin: unknown.
Comment: This variant is considered benign. This variant is a silent/synonymous amino acid change and it is not expected to impact splicing.

Ambry Genetics
Classification: Likely benign. Last evaluated: 2024-06-27. Review status: criteria provided, single submitter. Criteria: Ambry Variant Classification Scheme 2023. Collection method: clinical testing. Allele origin: germline.

NM_001040108.2(MLH3):c.3411G>T (p.Ser1137=)

Gene: MLH3 (mutL homolog 3; minus strand). Cytogenetic location: 14q24.3.
Variant type: single nucleotide variant.
Coding change: c.3411G>T on transcript NM_001040108.2 (MANE Select); coding-DNA position 3411, G replaced by T.
Protein change: p.Ser1137=; no amino-acid change (serine 1137 retained).
Molecular consequence: synonymous variant.
Genome position (GRCh38, 1-based): chr14:75,041,669, C>A on the plus strand (G>T on the coding strand, the complement: MLH3 is on the minus strand). VCF-style: chr14-75041669-C-A. GRCh37 (hg19) VCF-style: chr14-75508372-C-A.
Other names: c.3411G>T, p.Ser1137= (NM_014381.3).
Identifiers: ClinVar variation 3396654 (VCV003396654.2).